The following is an entry in ClinVar:

ClinVar aggregate classification (germline): Uncertain significance (1 of 4 stars; one submission).

Conditions:
Parkinson disease 17 (PARK17). Also called: VPS35-Related Parkinson Disease. Identifiers: Orphanet 411602, MedGen C3280133, MONDO:0013625, OMIM 614203.

Allele frequency attached by ClinVar (database versions not stated): gnomAD exomes below 0.00001; TOPMed 0.00001.
gnomAD v4.1: 1 of 1,614,058 alleles (0.000062%); highest among the groups gnomAD compares: African/African-American, 0.0013%; no homozygotes.

Submission:

Labcorp Genetics (formerly Invitae), Labcorp
Classification: Uncertain significance for Parkinson disease 17. Last evaluated: 2022-11-22. Review status: criteria provided, single submitter. Criteria: Invitae Variant Classification Sherloc (09022015). Collection method: clinical testing. Allele origin: germline.
Comment: In summary, the available evidence is currently insufficient to determine the role of this variant in disease. Therefore, it has been classified as a Variant of Uncertain Significance. Advanced modeling of protein sequence and biophysical properties (such as structural, functional, and spatial information, amino acid conservation, physicochemical variation, residue mobility, and thermodynamic stability) performed at Invitae indicates that this missense variant is not expected to disrupt VPS35 protein function. This variant has not been reported in the literature in individuals affected with VPS35-related conditions. This variant is present in population databases (no rsID available, gnomAD 0.007%). This sequence change replaces arginine, which is basic and polar, with glutamine, which is neutral and polar, at codon 514 of the VPS35 protein (p.Arg514Gln).

NM_018206.6(VPS35):c.1541G>A (p.Arg514Gln)

Gene: VPS35 (VPS35 retromer complex component; minus strand). Cytogenetic location: 16q11.2.
Variant type: single nucleotide variant.
Coding change: c.1541G>A on transcript NM_018206.6 (MANE Select); coding-DNA position 1541, G replaced by A.
Protein change: p.Arg514Gln; replaces arginine 514 with glutamine.
Molecular consequence: missense variant.
Genome position (GRCh38, 1-based): chr16:46,669,036, C>T on the plus strand (G>A on the coding strand, the complement: VPS35 is on the minus strand). VCF-style: chr16-46669036-C-T. GRCh37 (hg19) VCF-style: chr16-46702948-C-T.
Other names: short protein forms R514Q.
Identifiers: ClinVar variation 1916253 (VCV001916253.5), dbSNP rs1205245879, ClinGen allele CA395806341.